The following is an entry in ClinVar:

NM_001080517.3(SETD5):c.2476+5G>A

Gene: SETD5 (SET domain containing 5; plus strand). Cytogenetic location: 3p25.3.
Variant type: single nucleotide variant.
Coding change: c.2476+5G>A on transcript NM_001080517.3 (MANE Select); 5 bases into the intron after coding-DNA position 2476, G replaced by A.
Molecular consequence: intron variant.
Genome position (GRCh38, 1-based): chr3:9,453,873, G>A. VCF-style: chr3-9453873-G-A. GRCh37 (hg19) VCF-style: chr3-9495557-G-A.
Other names: c.2182+5G>A (NM_001349451.2, NM_001292043.2).
Identifiers: ClinVar variation 3713972 (VCV003713972.2).
Genomic context (GRCh38, chr3:9,453,873, plus strand): 5'-CCTATACCAAAGCAATGAGAATAGTAGCTCTTCTAGTATCTGCAAAGACAATGCAGGTAC[G>A]TATCTAAAACCTTTCTGATTATATGACCAATGATTGTTTCAGGTCTGCATAAAAAATTTA-3'

ClinVar aggregate classification (germline): Uncertain significance (1 of 4 stars; one submission).

gnomAD v4.1: 5 of 1,559,846 alleles (0.00032%); highest among the groups gnomAD compares: East Asian, 0.0023%; no homozygotes.

Submission:

Labcorp Genetics (formerly Invitae), Labcorp
Classification: Uncertain significance. Last evaluated: 2024-08-18. Review status: criteria provided, single submitter. Criteria: Invitae Variant Classification Sherloc (09022015). Collection method: clinical testing. Allele origin: germline.
Comment: This sequence change falls in intron 17 of the SETD5 gene. It does not directly change the encoded amino acid sequence of the SETD5 protein. It affects a nucleotide within the consensus splice site. The frequency data for this variant in the population databases is considered unreliable, as metrics indicate poor data quality at this position in the gnomAD database. This variant has not been reported in the literature in individuals affected with SETD5-related conditions. Variants that disrupt the consensus splice site are a relatively common cause of aberrant splicing (PMID: 17576681, 9536098). Algorithms developed to predict the effect of sequence changes on RNA splicing suggest that this variant is not likely to affect RNA splicing. In summary, the available evidence is currently insufficient to determine the role of this variant in disease. Therefore, it has been classified as a Variant of Uncertain Significance.

Literature cited by the submitters: PubMed 17576681; PubMed 9536098.